The following is an entry in ClinVar:

NM_052905.4(FMNL2):c.676A>G (p.Met226Val)

Gene: FMNL2 (formin like 2; plus strand). Cytogenetic location: 2q23.3.
Variant type: single nucleotide variant.
Coding change: c.676A>G on transcript NM_052905.4 (MANE Select); coding-DNA position 676, A replaced by G.
Protein change: p.Met226Val; replaces methionine 226 with valine.
Molecular consequence: missense variant.
Genome position (GRCh38, 1-based): chr2:152,575,215, A>G. VCF-style: chr2-152575215-A-G. GRCh37 (hg19) VCF-style: chr2-153431729-A-G.
Other names: short protein forms M226V.
Identifiers: ClinVar variation 3344337 (VCV003344337.1).

ClinVar aggregate classification (germline): Uncertain significance (0 of 4 stars; one submission).

Conditions:
FMNL2-related disorder. Also called: FMNL2-related condition.

gnomAD v4.1: 4 of 1,603,938 alleles (0.00025%); highest among the groups gnomAD compares: East Asian, 0.0045%; no homozygotes.

Submission:

PreventionGenetics, part of Exact Sciences
Classification: Uncertain significance for FMNL2-related condition. Last evaluated: 2024-05-31. Review status: no assertion criteria provided. Collection method: clinical testing. Allele origin: germline.
Comment: The FMNL2 c.676A>G variant is predicted to result in the amino acid substitution p.Met226Val. To our knowledge, this variant has not been reported in the literature. This variant is reported in 0.0059% of alleles in individuals of East Asian descent in gnomAD. At this time, the clinical significance of this variant is uncertain due to the absence of conclusive functional and genetic evidence.